The following is an entry in ClinVar:

ClinVar aggregate classification (germline): Uncertain significance (1 of 4 stars; one submission).

Submission:

Labcorp Genetics (formerly Invitae), Labcorp
Classification: Uncertain significance. Last evaluated: 2022-08-25. Review status: criteria provided, single submitter. Criteria: Invitae Variant Classification Sherloc (09022015). Collection method: clinical testing. Allele origin: germline.
Comment: This variant is not present in population databases (gnomAD no frequency). This sequence change replaces valine, which is neutral and non-polar, with isoleucine, which is neutral and non-polar, at codon 90 of the NDUFB11 protein (p.Val90Ile). In summary, the available evidence is currently insufficient to determine the role of this variant in disease. Therefore, it has been classified as a Variant of Uncertain Significance. Algorithms developed to predict the effect of missense changes on protein structure and function output the following: SIFT: "Tolerated"; PolyPhen-2: "Benign"; Align-GVGD: "Class C0". The isoleucine amino acid residue is found in multiple mammalian species, which suggests that this missense change does not adversely affect protein function. This variant has not been reported in the literature in individuals affected with NDUFB11-related conditions.

NM_001135998.3(NDUFB11):c.268G>A (p.Val90Ile)

Gene: NDUFB11 (NADH:ubiquinone oxidoreductase subunit B11; minus strand). Cytogenetic location: Xp11.3.
Variant type: single nucleotide variant.
Coding change: c.268G>A on transcript NM_001135998.3 (MANE Select); coding-DNA position 268, G replaced by A.
Protein change: p.Val90Ile; replaces valine 90 with isoleucine.
Molecular consequence: missense variant.
Genome position (GRCh38, 1-based): chrX:47,142,684, C>T on the plus strand (G>A on the coding strand, the complement: NDUFB11 is on the minus strand). VCF-style: chrX-47142684-C-T. GRCh37 (hg19) VCF-style: chrX-47002083-C-T.
Other names: c.268G>A, p.Val90Ile (NM_019056.7); short protein forms V90I.
Identifiers: ClinVar variation 2027025 (VCV002027025.4), dbSNP rs2520209924, ClinGen allele CA412780554.